The following is an entry in ClinVar:

ClinVar aggregate classification (germline): Uncertain significance (1 of 4 stars; one submission).

gnomAD v4.1: 1 of 1,610,626 alleles (0.000062%); highest among the groups gnomAD compares: Non-Finnish European, 0.000085%; no homozygotes.

Submission:

GeneDx
Classification: Uncertain significance. Last evaluated: 2024-03-10. Review status: criteria provided, single submitter. Criteria: GeneDx Variant Classification Process June 2021. Collection method: clinical testing. Allele origin: germline. Affected: yes.
Comment: Not observed at significant frequency in large population cohorts (gnomAD); In silico analysis supports that this missense variant has a deleterious effect on protein structure/function; Has not been previously published as pathogenic or benign to our knowledge

NM_006421.5(ARFGEF1):c.3752C>G (p.Thr1251Arg)

Gene: ARFGEF1 (ARF guanine nucleotide exchange factor 1; minus strand). Cytogenetic location: 8q13.2.
Variant type: single nucleotide variant.
Coding change: c.3752C>G on transcript NM_006421.5 (MANE Select); coding-DNA position 3752, C replaced by G.
Protein change: p.Thr1251Arg; replaces threonine 1251 with arginine.
Molecular consequence: missense variant. On other transcripts: non-coding transcript variant (1).
Genome position (GRCh38, 1-based): chr8:67,227,301, G>C on the plus strand (C>G on the coding strand, the complement: ARFGEF1 is on the minus strand). VCF-style: chr8-67227301-G-C. GRCh37 (hg19) VCF-style: chr8-68139536-G-C.
Other names: c.3752C>G, p.Thr1251Arg (NM_001413184.1, NM_001413185.1, NM_001413186.1 and 6 more transcripts); c.3152C>G, p.Thr1051Arg (NM_001413188.1, NM_001413193.1, NM_001413197.1); c.3746C>G, p.Thr1249Arg (NM_001413190.1); c.2327C>G, p.Thr776Arg (NM_001413196.1); short protein forms T1051R, T1249R, T1251R, T776R.
Identifiers: ClinVar variation 3370872 (VCV003370872.1).